The following is an entry in ClinVar:

NM_020937.4(FANCM):c.5270A>G (p.Gln1757Arg)

Gene: FANCM (FA complementation group M; plus strand). Cytogenetic location: 14q21.2.
Variant type: single nucleotide variant.
Coding change: c.5270A>G on transcript NM_020937.4 (MANE Select); coding-DNA position 5270, A replaced by G.
Protein change: p.Gln1757Arg; replaces glutamine 1757 with arginine.
Molecular consequence: missense variant.
Genome position (GRCh38, 1-based): chr14:45,189,292, A>G. VCF-style: chr14-45189292-A-G. GRCh37 (hg19) VCF-style: chr14-45658495-A-G.
Other names: c.5270A>G (NM_020937.3); c.5192A>G, p.Gln1731Arg (NM_001308133.2); short protein forms Q1731R, Q1757R.
Identifiers: ClinVar variation 2146292 (VCV002146292.7), dbSNP rs754114456, ClinGen allele CA7169946.

ClinVar aggregate classification (germline): Uncertain significance. Review status: criteria provided, multiple submitters, no conflicts (2 of 4 stars). 3 submissions from 3 submitters: Uncertain significance (2). 1 of the submissions does not count toward it. Last evaluated 2025-01-18.

Conditions:
FANCM-related disorder. Also called: FANCM-related condition.
Fanconi anemia (FA). Also called: Fanconi's anemia. Identifiers: Orphanet 84, MedGen C0015625, MeSH D005199, MONDO:0019391.
Inborn genetic diseases. Identifiers: MedGen C0950123, MeSH D030342.

Allele frequency attached by ClinVar (database versions not stated): gnomAD exomes below 0.00001; TOPMed below 0.00001; ExAC 0.00001.
gnomAD v4.1: 4 of 1,613,880 alleles (0.00025%); highest among the groups gnomAD compares: African/African-American, 0.0027%; no homozygotes.

Submissions (3):

Ambry Genetics
Classification: Uncertain significance for Inborn genetic diseases. Last evaluated: 2025-01-18. Review status: criteria provided, single submitter. Criteria: Ambry Variant Classification Scheme 2023. Collection method: clinical testing. Allele origin: germline.
Comment: The p.Q1757R variant (also known as c.5270A>G), located in coding exon 20 of the FANCM gene, results from an A to G substitution at nucleotide position 5270. The glutamine at codon 1757 is replaced by arginine, an amino acid with highly similar properties. This amino acid position is conserved. In addition, this alteration is predicted to be tolerated by in silico analysis. Based on the available evidence, the clinical significance of this variant remains unclear.

Labcorp Genetics (formerly Invitae), Labcorp
Classification: Uncertain significance for Fanconi anemia. Last evaluated: 2022-10-17. Review status: criteria provided, single submitter. Criteria: Invitae Variant Classification Sherloc (09022015). Collection method: clinical testing. Allele origin: germline.
Comment: This variant has not been reported in the literature in individuals affected with FANCM-related conditions. In summary, the available evidence is currently insufficient to determine the role of this variant in disease. Therefore, it has been classified as a Variant of Uncertain Significance. Algorithms developed to predict the effect of missense changes on protein structure and function output the following: SIFT: "Tolerated"; PolyPhen-2: "Benign"; Align-GVGD: "Class C0". The arginine amino acid residue is found in multiple mammalian species, which suggests that this missense change does not adversely affect protein function. This variant is present in population databases (rs754114456, gnomAD 0.0009%). This sequence change replaces glutamine, which is neutral and polar, with arginine, which is basic and polar, at codon 1757 of the FANCM protein (p.Gln1757Arg).

PreventionGenetics, part of Exact Sciences
Classification: Uncertain significance for FANCM-related condition. Last evaluated: 2024-02-15. Review status: no assertion criteria provided. Collection method: clinical testing. Allele origin: germline. Not counted in ClinVar's aggregate classification.
Comment: The FANCM c.5270A>G variant is predicted to result in the amino acid substitution p.Gln1757Arg. To our knowledge, this variant has not been reported in the literature. This variant is reported in 0.00088% of alleles in individuals of European (Non-Finnish) descent in gnomAD. At this time, the clinical significance of this variant is uncertain due to the absence of conclusive functional and genetic evidence.